The following is an entry in ClinVar:

ClinVar aggregate classification (germline): Uncertain significance. Review status: criteria provided, multiple submitters, no conflicts (2 of 4 stars). 3 submissions from 3 submitters: Uncertain significance (2). 1 of the submissions does not count toward it. Last evaluated 2025-10-08.

Allele frequency attached by ClinVar (database versions not stated): gnomAD exomes 0.00003 and 0.00006; gnomAD 0.00005; TOPMed 0.00005; ESP Exome Variant Server 0.00008; ExAC 0.00019.
gnomAD v4.1: 53 of 1,558,126 alleles (0.0034%); highest among the groups gnomAD compares: South Asian, 0.024%; no homozygotes.

Submissions (3):

Labcorp Genetics (formerly Invitae), Labcorp
Classification: Uncertain significance. Last evaluated: 2025-10-08. Review status: criteria provided, single submitter. Criteria: Invitae Variant Classification Sherloc (09022015). Collection method: clinical testing. Allele origin: germline.
Comment: This sequence change replaces glycine, which is neutral and non-polar, with serine, which is neutral and polar, at codon 220 of the COL9A3 protein (p.Gly220Ser). The frequency data for this variant in the population databases is considered unreliable, as metrics indicate poor data quality at this position in the gnomAD database. This variant has not been reported in the literature in individuals affected with COL9A3-related conditions. ClinVar contains an entry for this variant (Variation ID: 1049496). Invitae Evidence Modeling of protein sequence and biophysical properties (such as structural, functional, and spatial information, amino acid conservation, physicochemical variation, residue mobility, and thermodynamic stability) indicates that this missense variant is expected to disrupt COL9A3 protein function with a positive predictive value of 95%. In summary, the available evidence is currently insufficient to determine the role of this variant in disease. Therefore, it has been classified as a Variant of Uncertain Significance.

GeneDx
Classification: Uncertain significance. Last evaluated: 2024-11-06. Review status: criteria provided, single submitter. Criteria: GeneDx Variant Classification Process June 2021. Collection method: clinical testing. Allele origin: germline. Affected: yes.
Comment: Has not been previously published as pathogenic or benign to our knowledge; In silico analysis supports that this missense variant has a deleterious effect on protein structure/function

Department of Pathology and Laboratory Medicine, Sinai Health System
Classification: Uncertain significance. Review status: no assertion criteria provided. Collection method: clinical testing. Allele origin: unknown. Affected: yes. Study: The Canadian Open Genetics Repository (COGR). Not counted in ClinVar's aggregate classification.
Comment: The COL9A3 p.Gly220Ser variant was not identified in the literature nor was it identified in ClinVar, Cosmic or LOVD 3.0. The variant was identified in dbSNP (ID: rs148246522) and in control databases in 13 of 198306 chromosomes at a frequency of 0.000066 (Genome Aggregation Database March 6, 2019, v2.1.1). The variant was observed in the following populations: South Asian in 8 of 23402 chromosomes (freq: 0.000342), African in 4 of 18388 chromosomes (freq: 0.000218) and European (non-Finnish) in 1 of 81986 chromosomes (freq: 0.000012), but was not observed in the Latino, Ashkenazi Jewish, East Asian, European (Finnish) and Other populations. The p.Gly220 residue is conserved in mammals and computational analyses (PolyPhen-2, SIFT, AlignGVGD, BLOSUM, MutationTaster) provide inconsistent predictions regarding the impact to the protein; this information is not very predictive of pathogenicity. The variant occurs outside of the splicing consensus sequence and three of four in silico or computational prediction software programs (SpliceSiteFinder, MaxEntScan, NNSPLICE, GeneSplicer) do not predict a greater than 10% difference in splicing; this is not very predictive of pathogenicity. In summary, based on the above information the clinical significance of this variant cannot be determined with certainty at this time. This variant is classified as a variant of uncertain significance.

NM_001853.4(COL9A3):c.658G>A (p.Gly220Ser)

Gene: COL9A3 (collagen type IX alpha 3 chain; plus strand). Cytogenetic location: 20q13.33.
Variant type: single nucleotide variant.
Coding change: c.658G>A on transcript NM_001853.4 (MANE Select); coding-DNA position 658, G replaced by A.
Protein change: p.Gly220Ser; replaces glycine 220 with serine.
Molecular consequence: missense variant.
Genome position (GRCh38, 1-based): chr20:62,825,844, G>A. VCF-style: chr20-62825844-G-A. GRCh37 (hg19) VCF-style: chr20-61457196-G-A.
Other names: c.658G>A (NM_001853.3); short protein forms G220S.
Identifiers: ClinVar variation 1049496 (VCV001049496.11), dbSNP rs148246522, ClinGen allele CA9949424.